The following is an entry in ClinVar:

NM_006767.4(LZTR1):c.154C>T (p.His52Tyr)

Gene: LZTR1 (leucine zipper like post translational regulator 1; plus strand). Cytogenetic location: 22q11.21.
Variant type: single nucleotide variant.
Coding change: c.154C>T on transcript NM_006767.4 (MANE Select); coding-DNA position 154, C replaced by T.
Protein change: p.His52Tyr; replaces histidine 52 with tyrosine.
Molecular consequence: missense variant.
Genome position (GRCh38, 1-based): chr22:20,982,525, C>T. VCF-style: chr22-20982525-C-T. GRCh37 (hg19) VCF-style: chr22-21336814-C-T.
Other names: short protein forms H52Y.
Identifiers: ClinVar variation 1775016 (VCV001775016.3), dbSNP rs2518607919, ClinGen allele CA410777983.
Genomic context (GRCh38, chr22:20,982,525, plus strand): 5'-CATAGCTGCTCGGACAGTGTCGAGTACCTGACGCTCAACTTCGGGCCCTTCGAAACAGTG[C>T]ATCGCTGGCGGCGCCTCCCGCCCTGCGACGAGTTCGTGGGTGCCCGGTACGGTGGGCTTC-3'
Protein context (NP_006758.2, residues 42-62): TLNFGPFETV[His52Tyr]RWRRLPPCDE

ClinVar aggregate classification (germline): Uncertain significance. Review status: criteria provided, multiple submitters, no conflicts (2 of 4 stars). 2 submissions from 2 submitters: Uncertain significance (2). Last evaluated 2026-02-04.

Conditions:
Hereditary cancer-predisposing syndrome. Also called: Neoplastic Syndromes, Hereditary; Tumor predisposition; Hereditary Cancer Syndrome; Hereditary neoplastic syndrome. Identifiers: Orphanet 140162, MedGen C0027672, MeSH D009386, MONDO:0015356.
Cardiovascular phenotype. Identifiers: MedGen CN230736.

Allele frequency attached by ClinVar (database versions not stated): gnomAD exomes below 0.00001.
gnomAD v4.1: 2 of 1,613,154 alleles (0.00012%); highest among the groups gnomAD compares: East Asian, 0.0045%; no homozygotes.

Submissions (2):

GeneDx
Classification: Uncertain significance. Last evaluated: 2026-02-04. Review status: criteria provided, single submitter. Criteria: GeneDx Variant Classification Process June 2021. Collection method: clinical testing. Allele origin: germline.
Comment: Not observed at significant frequency in large population cohorts (gnomAD); In silico analysis supports that this missense variant has a deleterious effect on protein structure/function; Has not been previously published as pathogenic or benign to our knowledge

Ambry Genetics
Classification: Uncertain significance for Cardiovascular phenotype; Hereditary cancer-predisposing syndrome. Last evaluated: 2021-10-19. Review status: criteria provided, single submitter. Criteria: Ambry Variant Classification Scheme 2023. Collection method: clinical testing. Allele origin: germline.
Comment: The p.H52Y variant (also known as c.154C>T), located in coding exon 1 of the LZTR1 gene, results from a C to T substitution at nucleotide position 154. The histidine at codon 52 is replaced by tyrosine, an amino acid with similar properties. This amino acid position is well conserved in available vertebrate species. In addition, the in silico prediction for this alteration is inconclusive. Since supporting evidence is limited at this time, the clinical significance of this alteration remains unclear.